The following is an entry in ClinVar:

ClinVar aggregate classification (germline): Uncertain significance (1 of 4 stars; one submission).

gnomAD v4.1: 5 of 1,595,900 alleles (0.00031%); highest among the groups gnomAD compares: African/African-American, 0.004%; no homozygotes.

Submission:

GeneDx
Classification: Uncertain significance. Last evaluated: 2025-04-14. Review status: criteria provided, single submitter. Criteria: GeneDx Variant Classification Process June 2021. Collection method: clinical testing. Allele origin: germline. Affected: yes.
Comment: Stop codon variant resulting in protein extension by 33 amino acids; Not observed at significant frequency in large population cohorts (gnomAD); Reported using an alternate transcript of the gene; Has not been previously published as pathogenic or benign to our knowledge

NM_139137.4(KCNC2):c.*2007G>C

Gene: KCNC2 (potassium voltage-gated channel subfamily C member 2; minus strand). Cytogenetic location: 12q21.1.
Variant type: single nucleotide variant.
Coding change: c.*2007G>C on transcript NM_139137.4 (MANE Select); 2007 bases downstream of the stop codon, G replaced by C.
Molecular consequence: 3 prime UTR variant. On other transcripts: stop lost (1), non-coding transcript variant (2).
Genome position (GRCh38, 1-based): chr12:75,041,098, C>G on the plus strand (G>C on the coding strand, the complement: KCNC2 is on the minus strand). VCF-style: chr12-75041098-C-G. GRCh37 (hg19) VCF-style: chr12-75434878-C-G.
Other names: c.*2639G>C (NM_001260497.2, NM_001414197.1, NM_001414198.1); c.1889G>C, p.Ter630Ser (NM_001260498.2); c.*2007G>C (NM_001260499.2, NM_001414192.1, NM_001414193.1 and 1 more transcripts); c.*384G>C (NM_001414195.1); c.*142G>C (NM_001414196.1, NM_139136.4, NM_153748.3); c.*286G>C (NM_001414199.1); c.*2189G>C (NM_001414202.1); c.*2761G>C (NM_001414206.1, NM_001414213.1).
Identifiers: ClinVar variation 4281700 (VCV004281700.1).
Genomic context (GRCh38, chr12:75,041,098, plus strand): 5'-ATAAGCTTTAAGTGCCTCATGAAGACGCGAGGATCTCTTCCAAGTGCAACCTGGTCACAT[C>G]AGGGCACATTCAGCAGCAGAAGTCTGTTTCCAGTATAGTCCTTGGTATGGCTAAATTCCA-3'